The following is an entry in ClinVar:

ClinVar aggregate classification (germline): Uncertain significance (1 of 4 stars; one submission).

Conditions:
Carney complex, type 1 (CNC1). Also called: CARNEY MYXOMA-ENDOCRINE COMPLEX; CARNEY COMPLEX, TYPE I. Identifiers: Orphanet 1359, MedGen C2607929, MONDO:0008057, OMIM 160980.

Submission:

Labcorp Genetics (formerly Invitae), Labcorp
Classification: Uncertain significance for Carney complex, type 1. Last evaluated: 2025-04-14. Review status: criteria provided, single submitter. Criteria: Invitae Variant Classification Sherloc (09022015). Collection method: clinical testing. Allele origin: germline.
Comment: This sequence change replaces lysine, which is basic and polar, with arginine, which is basic and polar, at codon 130 of the PRKAR1A protein (p.Lys130Arg). This variant is not present in population databases (gnomAD no frequency). This variant has not been reported in the literature in individuals affected with PRKAR1A-related conditions. ClinVar contains an entry for this variant (Variation ID: 2180756). Invitae Evidence Modeling of protein sequence and biophysical properties (such as structural, functional, and spatial information, amino acid conservation, physicochemical variation, residue mobility, and thermodynamic stability) indicates that this missense variant is not expected to disrupt PRKAR1A protein function with a negative predictive value of 95%. In summary, the available evidence is currently insufficient to determine the role of this variant in disease. Therefore, it has been classified as a Variant of Uncertain Significance.

NM_002734.5(PRKAR1A):c.389A>G (p.Lys130Arg)

Gene: PRKAR1A (protein kinase cAMP-dependent type I regulatory subunit alpha; plus strand). Cytogenetic location: 17q24.2.
Variant type: single nucleotide variant.
Coding change: c.389A>G on transcript NM_002734.5 (MANE Select); coding-DNA position 389, A replaced by G.
Protein change: p.Lys130Arg; replaces lysine 130 with arginine.
Molecular consequence: missense variant.
Genome position (GRCh38, 1-based): chr17:68,523,765, A>G. VCF-style: chr17-68523765-A-G. GRCh37 (hg19) VCF-style: chr17-66519906-A-G.
Other names: c.389A>G, p.Lys130Arg (NM_001276289.2, NM_001276290.1, NM_001278433.2 and 4 more transcripts); short protein forms K130R.
Identifiers: ClinVar variation 2180756 (VCV002180756.4), dbSNP rs2143288794, ClinGen allele CA400752633.